The following is an entry in ClinVar:

NM_001035.3(RYR2):c.6047C>T (p.Ser2016Phe)

Gene: RYR2 (ryanodine receptor 2; plus strand). Cytogenetic location: 1q43.
Variant type: single nucleotide variant.
Coding change: c.6047C>T on transcript NM_001035.3 (MANE Select); coding-DNA position 6047, C replaced by T.
Protein change: p.Ser2016Phe; replaces serine 2016 with phenylalanine.
Molecular consequence: missense variant.
Genome position (GRCh38, 1-based): chr1:237,625,685, C>T. VCF-style: chr1-237625685-C-T. GRCh37 (hg19) VCF-style: chr1-237788985-C-T.
Other names: short protein forms S2016F.
Identifiers: ClinVar variation 923660 (VCV000923660.5), dbSNP rs1304117296, ClinGen allele CA345408782.

ClinVar aggregate classification (germline): Uncertain significance. Review status: criteria provided, multiple submitters, no conflicts (2 of 4 stars). 2 submissions from 2 submitters: Uncertain significance (2). Last evaluated 2024-05-30.

Conditions:
Cardiomyopathy (CMYO). Also called: Cardiomyopathies. Identifiers: Orphanet 167848, MedGen C0878544, MONDO:0004994, HP:0001638. Inheritance: Various modes of inheritance.
Catecholaminergic polymorphic ventricular tachycardia (CVPT). Also called: Catecholamine-induced polymorphic ventricular tachycardia. Identifiers: Orphanet 3286, MedGen C5574922, MONDO:0017990.

Allele frequency attached by ClinVar (database versions not stated): gnomAD exomes below 0.00001.
gnomAD v4.1: 1 of 1,613,616 alleles (0.000062%); no homozygotes.

Submissions (2):

All of Us Research Program, National Institutes of Health
Classification: Uncertain significance for Catecholaminergic polymorphic ventricular tachycardia. Last evaluated: 2024-05-30. Review status: criteria provided, single submitter. Criteria: ACMG Guidelines, 2015. Collection method: clinical testing. Allele origin: germline. Inheritance: Autosomal dominant inheritance. Observed: 1 variant allele, 1 heterozygote.
Comment: This missense variant replaces serine with phenylalanine at codon 2016 of the RYR2 protein. Computational prediction suggests that this variant may not impact protein structure and function (internally defined REVEL score threshold <= 0.5, PMID: 27666373). To our knowledge, functional studies have not been reported for this variant. This variant has not been reported in individuals affected with RYR2-related disorders in the literature. This variant has been identified in 1/248972 chromosomes in the general population by the Genome Aggregation Database (gnomAD). The available evidence is insufficient to determine the role of this variant in disease conclusively. Therefore, this variant is classified as a Variant of Uncertain Significance.

This study involves interpretation of variants in research participants for the purpose of population health screening. Participant phenotype was not available at the time of variant classification. Additional details can be found in publication PMID: 35346344, PMCID: PMC8962531

Color Diagnostics, LLC DBA Color Health
Classification: Uncertain significance for Cardiomyopathy. Last evaluated: 2023-12-04. Review status: criteria provided, single submitter. Criteria: ACMG Guidelines, 2015. Collection method: clinical testing. Allele origin: germline.
Comment: This missense variant replaces serine with phenylalanine at codon 2016 of the RYR2 protein. Computational prediction suggests that this variant may not impact protein structure and function (internally defined REVEL score threshold <= 0.5, PMID: 27666373). To our knowledge, functional studies have not been reported for this variant. This variant has not been reported in individuals affected with RYR2-related disorders in the literature. This variant has been identified in 1/248972 chromosomes in the general population by the Genome Aggregation Database (gnomAD). The available evidence is insufficient to determine the role of this variant in disease conclusively. Therefore, this variant is classified as a Variant of Uncertain Significance.